The following is an entry in ClinVar:

ClinVar aggregate classification (germline): Pathogenic (1 of 4 stars; one submission).

Conditions:
Hereditary diffuse gastric adenocarcinoma (HDGC). Also called: DIFFUSE GASTRIC AND LOBULAR BREAST CANCER SYNDROME. Identifiers: Orphanet 26106, MedGen C1708349, MONDO:0007648, OMIM 137215.

Submission:

Myriad Genetics, Inc.
Classification: Pathogenic for Hereditary diffuse gastric adenocarcinoma. Last evaluated: 2023-06-09. Review status: criteria provided, single submitter. Criteria: Myriad Autosomal Dominant, Autosomal Recessive and X-Linked Classification Criteria (2023). Collection method: clinical testing. Allele origin: unknown.
Comment: This variant is considered pathogenic. This variant creates a frameshift predicted to result in premature protein truncation.

NM_004360.5(CDH1):c.484_485delinsT (p.Cys163fs)

Gene: CDH1 (cadherin 1; plus strand). Cytogenetic location: 16q22.1.
Variant type: Indel.
Coding change: c.484_485delinsT on transcript NM_004360.5 (MANE Select); coding-DNA positions 484 to 485, AG replaced by T.
Protein change: p.Cys163fs; shifts the reading frame from cysteine 163.
Molecular consequence: frameshift variant. On other transcripts: 5 prime UTR variant (2).
Genome position (GRCh38, 1-based): chr16:68,808,520-68,808,521, AG replaced by T. VCF-style: chr16-68808520-AG-T. GRCh37 (hg19) VCF-style: chr16-68842423-AG-T.
Other names: c.484_485delinsT, p.Cys163fs (NM_001317184.2); c.-1132_-1131delinsT (NM_001317185.2); c.-1336_-1335delinsT (NM_001317186.2); short protein forms C163fs.
Identifiers: ClinVar variation 2583294 (VCV002583294.2), dbSNP rs2543914815, ClinGen allele CA2582342568.